The following is an entry in ClinVar:

ClinVar aggregate classification (germline): Uncertain significance (1 of 4 stars; one submission).

Allele frequency attached by ClinVar (database versions not stated): gnomAD exomes below 0.00001.
gnomAD v4.1: 3 of 1,613,928 alleles (0.00019%); highest among the groups gnomAD compares: Non-Finnish European, 0.00025%; no homozygotes.

Submission:

Labcorp Genetics (formerly Invitae), Labcorp
Classification: Uncertain significance. Last evaluated: 2022-03-02. Review status: criteria provided, single submitter. Criteria: Invitae Variant Classification Sherloc (09022015). Collection method: clinical testing. Allele origin: germline.
Comment: This sequence change replaces tyrosine, which is neutral and polar, with histidine, which is basic and polar, at codon 185 of the CNGB3 protein (p.Tyr185His). This variant is not present in population databases (gnomAD no frequency). This variant has not been reported in the literature in individuals affected with CNGB3-related conditions. ClinVar contains an entry for this variant (Variation ID: 954931). Advanced modeling of protein sequence and biophysical properties (such as structural, functional, and spatial information, amino acid conservation, physicochemical variation, residue mobility, and thermodynamic stability) performed at Invitae indicates that this missense variant is not expected to disrupt CNGB3 protein function. In summary, the available evidence is currently insufficient to determine the role of this variant in disease. Therefore, it has been classified as a Variant of Uncertain Significance.

NM_019098.5(CNGB3):c.553T>C (p.Tyr185His)

Gene: CNGB3 (cyclic nucleotide gated channel subunit beta 3; minus strand). Cytogenetic location: 8q21.3.
Variant type: single nucleotide variant.
Coding change: c.553T>C on transcript NM_019098.5 (MANE Select); coding-DNA position 553, T replaced by C.
Protein change: p.Tyr185His; replaces tyrosine 185 with histidine.
Molecular consequence: missense variant.
Genome position (GRCh38, 1-based): chr8:86,668,109, A>G on the plus strand (T>C on the coding strand, the complement: CNGB3 is on the minus strand). VCF-style: chr8-86668109-A-G. GRCh37 (hg19) VCF-style: chr8-87680337-A-G.
Other names: short protein forms Y185H.
Identifiers: ClinVar variation 954931 (VCV000954931.6), dbSNP rs1823779879, ClinGen allele CA371449887.
Genomic context (GRCh38, chr8:86,668,109, plus strand): 5'-TAATTCGCTTTAAGTACTCTGTTAAAGGCATCTTTTTGACTTTGAACCACAACAGCCTGT[A>G]GTAATGTTCTGTTGGCTTATCATCGCTTTCTTTTACTGGTGGTACAGCCGTGGGCTTTGC-3'
Protein context (NP_061971.3, residues 175-195): ESDDKPTEHY[Tyr185His]RLLWFKVKKM